The following is an entry in ClinVar:

NR_001566.3(TERC):n.334G>C

Genes: TERC (telomerase RNA component; minus strand), LOC110806306 (telomerase RNA component (TERC) promoter; plus strand). Cytogenetic location: 3q26.2.
Variant type: single nucleotide variant.
Molecular consequence: non-coding transcript variant (on NR_001566.3).
Genome position: GRCh38 VCF-style: chr3-169764727-C-G. GRCh37 (hg19) VCF-style: chr3-169482515-C-G.
Identifiers: ClinVar variation 4812241 (VCV004812241.1).

ClinVar aggregate classification (germline): Uncertain significance (1 of 4 stars; one submission).

Conditions:
Dyskeratosis congenita, autosomal dominant 1 (DKCA1). Also called: Dyskeratosis congenita Scoggins type. Identifiers: Orphanet 1775, MedGen C4551974, MONDO:0007485, OMIM 127550. Inheritance: Variable.

Submission:

Labcorp Genetics (formerly Invitae), Labcorp
Classification: Uncertain significance for Dyskeratosis congenita, autosomal dominant 1. Last evaluated: 2025-12-15. Review status: criteria provided, single submitter. Criteria: Invitae Variant Classification Sherloc (09022015). Collection method: clinical testing. Allele origin: germline.
Comment: This variant occurs in the TERC gene, which encodes an RNA molecule that does not result in a protein product. This variant is not present in population databases (gnomAD no frequency). This variant has not been reported in the literature in individuals affected with TERC-related conditions. This variant is located within the BoxH/ACA scaRNA domain of the TERC RNA component, which is required for telomerase activity (PMID: 21844345). In summary, the available evidence is currently insufficient to determine the role of this variant in disease. Therefore, it has been classified as a Variant of Uncertain Significance.

Literature cited by the submitters: PubMed 21844345.